The following is an entry in ClinVar:

NM_001039591.3(USP9X):c.272A>G (p.Lys91Arg)

Gene: USP9X (ubiquitin specific peptidase 9 X-linked; plus strand). Cytogenetic location: Xp11.4.
Variant type: single nucleotide variant.
Coding change: c.272A>G on transcript NM_001039591.3 (MANE Select); coding-DNA position 272, A replaced by G.
Protein change: p.Lys91Arg; replaces lysine 91 with arginine.
Molecular consequence: missense variant.
Genome position (GRCh38, 1-based): chrX:41,131,486, A>G. VCF-style: chrX-41131486-A-G. GRCh37 (hg19) VCF-style: chrX-40990739-A-G.
Other names: c.272A>G, p.Lys91Arg (NM_001039590.3, NM_001410748.1, NM_001410749.1); short protein forms K91R.
Identifiers: ClinVar variation 3367758 (VCV003367758.1).

ClinVar aggregate classification (germline): Uncertain significance (1 of 4 stars; one submission).

Submission:

GeneDx
Classification: Uncertain significance. Last evaluated: 2024-01-17. Review status: criteria provided, single submitter. Criteria: GeneDx Variant Classification Process June 2021. Collection method: clinical testing. Allele origin: germline. Affected: yes.
Comment: Not observed at significant frequency in large population cohorts (gnomAD); In silico analysis supports that this missense variant does not alter protein structure/function; Has not been previously published as pathogenic or benign to our knowledge